The following is an entry in ClinVar:

ClinVar aggregate classification (germline): Likely benign. Review status: criteria provided, single submitter (1 of 4 stars). 2 submissions from 2 submitters: Likely benign (1). 1 of the submissions does not count toward it. Last evaluated 2022-10-28.

Conditions:
ADGRG6-related disorder. Also called: ADGRG6-related condition.

Allele frequency attached by ClinVar (database versions not stated): ExAC 0.00004; 1000 Genomes Project 0.00020; 1000 Genomes Project 30x 0.00031.
gnomAD v4.1: 120 of 1,606,332 alleles (0.0075%); highest among the groups gnomAD compares: Admixed American, 0.14%; 1 homozygote.

Submissions (2):

Blueprint Genetics
Classification: Likely benign. Last evaluated: 2022-10-28. Review status: criteria provided, single submitter. Criteria: ACMG Guidelines, 2015. Collection method: clinical testing. Allele origin: germline.

PreventionGenetics, part of Exact Sciences
Classification: Likely benign for ADGRG6-related condition. Last evaluated: 2019-09-13. Review status: no assertion criteria provided. Collection method: clinical testing. Allele origin: germline. Not counted in ClinVar's aggregate classification.
Comment: This variant is classified as likely benign based on ACMG/AMP sequence variant interpretation guidelines (Richards et al. 2015 PMID: 25741868, with internal and published modifications).

NM_198569.3(ADGRG6):c.2049A>G (p.Val683=)

Gene: ADGRG6 (adhesion G protein-coupled receptor G6; plus strand). Cytogenetic location: 6q24.2.
Variant type: single nucleotide variant.
Coding change: c.2049A>G on transcript NM_198569.3 (MANE Select); coding-DNA position 2049, A replaced by G.
Protein change: p.Val683=; no amino-acid change (valine 683 retained).
Molecular consequence: synonymous variant.
Genome position (GRCh38, 1-based): chr6:142,403,895, A>G. VCF-style: chr6-142403895-A-G. GRCh37 (hg19) VCF-style: chr6-142725032-A-G.
Other names: c.1965A>G, p.Val655= (NM_001032394.3, NM_001032395.3); c.2049A>G, p.Val683= (NM_020455.6).
Identifiers: ClinVar variation 3040069 (VCV003040069.3), dbSNP rs201265247, ClinGen allele CA4027079.